The following is an entry in ClinVar:

ClinVar aggregate classification (germline): Benign (1 of 4 stars; one submission).

Conditions:
Von Hippel-Lindau syndrome (VHLS). Also called: Von Hippel-Lindau; von Hippel–Lindau syndrome; VHL syndrome. Identifiers: Orphanet 892, MedGen C0019562, MONDO:0008667, OMIM 193300. Disease mechanism: loss of function.

Submission:

Myriad Genetics, Inc.
Classification: Benign for Von Hippel-Lindau syndrome. Last evaluated: 2025-06-13. Review status: criteria provided, single submitter. Criteria: Myriad Autosomal Dominant, Autosomal Recessive and X-Linked Classification Criteria (2023). Collection method: clinical testing. Allele origin: unknown.
Comment: This variant is considered benign. This variant occurs in the non-coding 3' untranslated region of the gene, and is not expected to impact protein function.

NM_000551.4(VHL):c.*1A>C

Genes: VHL (von Hippel-Lindau tumor suppressor; plus strand), LOC107303340 (3p25 von Hippel-Lindau tumor suppressor, E3 ubiquitin protein ligase Alu-mediated recombination region; plus strand). Cytogenetic location: 3p25.3.
Variant type: single nucleotide variant.
Coding change: c.*1A>C on transcript NM_000551.4 (MANE Select); 1 bases downstream of the stop codon, A replaced by C.
Molecular consequence: 3 prime UTR variant. On other transcripts: non-coding transcript variant (1).
Genome position (GRCh38, 1-based): chr3:10,149,966, A>C. VCF-style: chr3-10149966-A-C. GRCh37 (hg19) VCF-style: chr3-10191650-A-C.
Other names: c.*1A>C (NM_198156.3); c.*197A>C (NM_001354723.2).
Identifiers: ClinVar variation 4071080 (VCV004071080.1).